The following is an entry in ClinVar:

NM_001100.4(ACTA1):c.82_83delinsTG (p.Ala28Cys)

Gene: ACTA1 (actin alpha 1, skeletal muscle; minus strand). Cytogenetic location: 1q42.13.
Variant type: Indel.
Coding change: c.82_83delinsTG on transcript NM_001100.4 (MANE Select); coding-DNA positions 82 to 83, GC replaced by TG.
Protein change: p.Ala28Cys; replaces alanine 28 with cysteine.
Molecular consequence: missense variant.
Genome position (GRCh38, 1-based): chr1:229,433,033-229,433,034, GC replaced by CA on the plus strand (GC replaced by TG on the coding strand, the reverse complement: ACTA1 is on the minus strand). VCF-style: chr1-229433033-GC-CA. GRCh37 (hg19) VCF-style: chr1-229568780-GC-CA.
Other names: short protein forms A28C.
Identifiers: ClinVar variation 1404743 (VCV001404743.6), dbSNP rs2102736585, ClinGen allele CA2573131950.

ClinVar aggregate classification (germline): Uncertain significance (1 of 4 stars; one submission).

Conditions:
Actin accumulation myopathy (CMYO2A). Also called: CONGENITAL MYOPATHY 2A, TYPICAL, AUTOSOMAL DOMINANT; Nemaline myopathy type 3; Myopathy, actin, congenital, with excess of thin myofilaments; Myopathy, actin, congenital, with cores; Nemaline myopathy 3, with intranuclear rods. Identifiers: Orphanet 98904, MedGen C3711389, MONDO:0008070, OMIM 161800.

Submission:

Labcorp Genetics (formerly Invitae), Labcorp
Classification: Uncertain significance for Actin accumulation myopathy. Last evaluated: 2024-08-29. Review status: criteria provided, single submitter. Criteria: Invitae Variant Classification Sherloc (09022015). Collection method: clinical testing. Allele origin: germline.
Comment: This sequence change replaces alanine, which is neutral and non-polar, with cysteine, which is neutral and slightly polar, at codon 28 of the ACTA1 protein (p.Ala28Cys). The frequency data for this variant in the population databases is considered unreliable, as metrics indicate poor data quality at this position in the gnomAD database. This variant has not been reported in the literature in individuals affected with ACTA1-related conditions. ClinVar contains an entry for this variant (Variation ID: 1404743). An algorithm developed to predict the effect of missense changes on protein structure and function (PolyPhen-2) suggests that this variant is likely to be disruptive. In summary, the available evidence is currently insufficient to determine the role of this variant in disease. Therefore, it has been classified as a Variant of Uncertain Significance.